The following is an entry in ClinVar:

NM_173630.4(RTTN):c.6421+158C>G

Gene: RTTN (rotatin; minus strand). Cytogenetic location: 18q22.2.
Variant type: single nucleotide variant.
Coding change: c.6421+158C>G on transcript NM_173630.4 (MANE Select); 158 bases into the intron after coding-DNA position 6421, C replaced by G.
Molecular consequence: intron variant.
Genome position (GRCh38, 1-based): chr18:70,017,249, G>C on the plus strand (C>G on the coding strand, the complement: RTTN is on the minus strand). VCF-style: chr18-70017249-G-C. GRCh37 (hg19) VCF-style: chr18-67684485-G-C.
Other names: c.3685+158C>G (NM_001318520.2).
Identifiers: ClinVar variation 678366 (VCV000678366.1), dbSNP rs186533402, ClinGen allele CA301919746.

ClinVar aggregate classification (germline): Likely benign (1 of 4 stars; one submission).

Allele frequency attached by ClinVar (database versions not stated): 1000 Genomes Project 30x 0.00484; 1000 Genomes Project 0.00499; gnomAD 0.00567 and 0.00613; TOPMed 0.00645.
gnomAD v4.1: 853 of 152,284 alleles (0.56%); highest among the groups gnomAD compares: African/African-American, 2%; 4 homozygotes.

Submission:

GeneDx
Classification: Likely benign. Last evaluated: 2018-06-14. Review status: criteria provided, single submitter. Criteria: GeneDx Variant Classification (06012015). Collection method: clinical testing. Allele origin: germline. Affected: yes.
Comment: This variant is considered likely benign or benign based on one or more of the following criteria: it is a conservative change, it occurs at a poorly conserved position in the protein, it is predicted to be benign by multiple in silico algorithms, and/or has population frequency not consistent with disease.